The following is an entry in ClinVar:

NM_020247.5(COQ8A):c.1054G>T (p.Gly352Cys)

Gene: COQ8A (coenzyme Q8A; plus strand). Cytogenetic location: 1q42.13.
Variant type: single nucleotide variant.
Coding change: c.1054G>T on transcript NM_020247.5 (MANE Select); coding-DNA position 1054, G replaced by T.
Protein change: p.Gly352Cys; replaces glycine 352 with cysteine.
Molecular consequence: missense variant.
Genome position (GRCh38, 1-based): chr1:226,983,008, G>T. VCF-style: chr1-226983008-G-T. GRCh37 (hg19) VCF-style: chr1-227170709-G-T.
Other names: short protein forms G352C.
Identifiers: ClinVar variation 1299389 (VCV001299389.1), dbSNP rs536852535, ClinGen allele CA345053104.

ClinVar aggregate classification (germline): Uncertain significance (1 of 4 stars; one submission).

Conditions:
Autosomal recessive ataxia due to ubiquinone deficiency. Also called: SPINOCEREBELLAR ATAXIA, AUTOSOMAL RECESSIVE 9; Coenzyme Q10 deficiency, primary, 4. Identifiers: Orphanet 139485, MedGen C2677589, MONDO:0012784, OMIM 612016.

gnomAD v4.1: 1 of 1,593,572 alleles (0.000063%); highest among the groups gnomAD compares: Non-Finnish European, 0.000085%; no homozygotes.

Submission:

Breda Genetics srl
Classification: Uncertain significance for Autosomal recessive ataxia due to ubiquinone deficiency. Last evaluated: 2021-03-09. Review status: criteria provided, single submitter. Criteria: ACMG Guidelines, 2015. Collection method: clinical testing. Allele origin: germline. Inheritance: Autosomal recessive inheritance. Affected: yes. Observed: 1 variant allele, 1 heterozygote.
Comment: Based on allele frequency, in-silico prediction scores and a certain overlap with the clinical phenotype, we interpreted this variant at least as of uncertain significance. The lack of one or more of the following features has discouraged further investigations: lack of a possible second hit in autosomal recessive conditions, presence of healthy controls in databases for autosomal dominant conditions, presence of unmatching cardinal clinical features in the patient or in the known gene-disease association, and/or variant type outside the known gene mutational spectrum.